The following is an entry in ClinVar:

NM_001904.4(CTNNB1):c.95_99delinsGG (p.Asp32_Ser33delinsGly)

Genes: CTNNB1 (catenin beta 1; plus strand), LOC126806658 (BRD4-independent group 4 enhancer GRCh37_chr3:41265899-41267098; plus strand). Cytogenetic location: 3p22.1.
Variant type: Indel.
Coding change: c.95_99delinsGG on transcript NM_001904.4 (MANE Select); coding-DNA positions 95 to 99, ACTCT replaced by GG.
Protein change: p.Asp32_Ser33delinsGly.
Molecular consequence: inframe indel.
Genome position (GRCh38, 1-based): chr3:41,224,607-41,224,611, ACTCT replaced by GG. VCF-style: chr3-41224607-ACTCT-GG. GRCh37 (hg19) VCF-style: chr3-41266098-ACTCT-GG.
Other names: c.95_99delinsGG, p.Asp32_Ser33delinsGly (NM_001098209.2, NM_001098210.2, NM_001438871.1 and 4 more transcripts); c.74_78delinsGG, p.Asp25_Ser26delinsGly (NM_001330729.2).
Identifiers: ClinVar variation 4530146 (VCV004530146.1).

ClinVar aggregate classification (somatic clinical impact): Tier I - Strong (1 of 4 stars; one submission).

Conditions:
Adrenal cortex carcinoma. Also called: Adrenocortical carcinoma. Identifiers: Orphanet 1501, MedGen C0206686, MeSH D018268, MONDO:0006639, HP:0006744.

Submission:

Institute for Genomic Medicine (IGM) Clinical Laboratory, Nationwide Children's Hospital
Classification: Tier I - Strong for Adrenal cortex carcinoma. Assertion type: diagnostic. Clinical significance: supports diagnosis. Last evaluated: 2025-03-03. Review status: criteria provided, single submitter. Criteria: AMP/ASCO/CAP Guidelines, 2017. Collection method: clinical testing. Allele origin: somatic. Affected: yes.
Comment: Variant has Tier I (strong) clinical significance as a diagnostic inclusion criterion in adrenal cortex carcinoma, based on the following evidence: 1) Documented in one or more cancer databases (e.g., St. Jude Pecan, COSMIC, CIViC, OncoKB). 2) Appears in one or more well-established professional guidelines (e.g., World Health Organization [WHO]; National Comprehensive Cancer Network [NCCN]) as providing diagnostic, prognostic, or therapeutic information. 3) Information in the literature supports potential biologic effect of variant (PMIDs: 29435196, 30699286). 4) Diagnostic for a specific tumor type/classification based on well-powered studies with expert-level consensus (Evidence Level B; PMIDs: 16140927, 2574372, 27165744, 25490274, 24747642, 21084400, 29872083, 27468715).

Literature cited by the submitters: PubMed 29435196; PubMed 30699286; PubMed 16140927; PubMed 2574372; PubMed 27165744; PubMed 25490274; PubMed 24747642; PubMed 21084400; PubMed 29872083; PubMed 27468715.